The following is an entry in ClinVar:

ClinVar aggregate classification (germline): Uncertain significance (1 of 4 stars; one submission).

Allele frequency attached by ClinVar (database versions not stated): gnomAD exomes below 0.00001 and 0.00001; gnomAD 0.00001 and 0.00002; TOPMed 0.00003.
gnomAD v4.1: 17 of 1,613,914 alleles (0.0011%); highest among the groups gnomAD compares: Admixed American, 0.0017%; no homozygotes.

Submission:

ARUP Laboratories, Molecular Genetics and Genomics, ARUP Laboratories
Classification: Uncertain significance. Last evaluated: 2019-11-11. Review status: criteria provided, single submitter. Criteria: ARUP Molecular Germline Variant Investigation Process. Collection method: clinical testing. Allele origin: germline.
Comment: The HSPG2 c.5348T>C; p.Val1783Ala variant (rs1031570794), to our knowledge, is not reported in the medical literature or gene-specific databases. This variant is found on a single chromosome in the Genome Aggregation Database (1/251246 alleles), indicating it is not a common polymorphism. The valine at codon 1783 is moderately conserved, and computational analyses (SIFT, PolyPhen-2) predict that this variant is deleterious. However, due to limited information, the clinical significance of the p.Val1783Ala variant is uncertain at this time.

NM_005529.7(HSPG2):c.5348T>C (p.Val1783Ala)

Gene: HSPG2 (heparan sulfate proteoglycan 2; minus strand). Cytogenetic location: 1p36.12.
Variant type: single nucleotide variant.
Coding change: c.5348T>C on transcript NM_005529.7 (MANE Select); coding-DNA position 5348, T replaced by C.
Protein change: p.Val1783Ala; replaces valine 1783 with alanine.
Molecular consequence: missense variant.
Genome position (GRCh38, 1-based): chr1:21,857,331, A>G on the plus strand (T>C on the coding strand, the complement: HSPG2 is on the minus strand). VCF-style: chr1-21857331-A-G. GRCh37 (hg19) VCF-style: chr1-22183824-A-G.
Other names: c.5351T>C, p.Val1784Ala (NM_001291860.2); short protein forms V1783A, V1784A.
Identifiers: ClinVar variation 993798 (VCV000993798.8), dbSNP rs1031570794, ClinGen allele CA19127741.
Genomic context (GRCh38, chr1:21,857,331, plus strand): 5'-CCTGACCTGCACACCTTGCTTTTGGCTGTGCAGATGAAGGTGACGTCAGCTCCGGGGCGC[A>G]CGCTCTGGCTCCGCTGCTCCTCCACAGTCACTGTGATGGGCTTGCTTGGAGCCTCTGCAG-3'
Protein context (NP_005520.4, residues 1773-1793): VTVEEQRSQS[Val1783Ala]RPGADVTFIC